The following is an entry in ClinVar:

ClinVar aggregate classification (germline): Uncertain significance (1 of 4 stars; one submission).

Conditions:
Hypertrophic cardiomyopathy 1 (CMH1). Also called: Familial hypertrophic cardiomyopathy 1; MYH7-Related Familial Hypertrophic Cardiomyopathy. Identifiers: MedGen C3495498, MONDO:0008647, OMIM 192600.

gnomAD v4.1: 2 of 1,614,038 alleles (0.00012%); highest among the groups gnomAD compares: Non-Finnish European, 0.00017%; no homozygotes.

Submission:

Labcorp Genetics (formerly Invitae), Labcorp
Classification: Uncertain significance for Hypertrophic cardiomyopathy 1. Last evaluated: 2024-08-04. Review status: criteria provided, single submitter. Criteria: Invitae Variant Classification Sherloc (09022015). Collection method: clinical testing. Allele origin: germline.
Comment: This sequence change replaces alanine, which is neutral and non-polar, with serine, which is neutral and polar, at codon 513 of the MYLK2 protein (p.Ala513Ser). This variant is not present in population databases (gnomAD no frequency). This variant has not been reported in the literature in individuals affected with MYLK2-related conditions. Advanced modeling of protein sequence and biophysical properties (such as structural, functional, and spatial information, amino acid conservation, physicochemical variation, residue mobility, and thermodynamic stability) performed at Invitae indicates that this missense variant is expected to disrupt MYLK2 protein function with a positive predictive value of 80%. In summary, the available evidence is currently insufficient to determine the role of this variant in disease. Therefore, it has been classified as a Variant of Uncertain Significance.

NM_033118.4(MYLK2):c.1537G>T (p.Ala513Ser)

Gene: MYLK2 (myosin light chain kinase 2; plus strand). Cytogenetic location: 20q11.21.
Variant type: single nucleotide variant.
Coding change: c.1537G>T on transcript NM_033118.4 (MANE Select); coding-DNA position 1537, G replaced by T.
Protein change: p.Ala513Ser; replaces alanine 513 with serine.
Molecular consequence: missense variant.
Genome position (GRCh38, 1-based): chr20:31,831,815, G>T. VCF-style: chr20-31831815-G-T. GRCh37 (hg19) VCF-style: chr20-30419618-G-T.
Other names: short protein forms A513S.
Identifiers: ClinVar variation 3705795 (VCV003705795.2).